The following is an entry in ClinVar:

NM_004563.4(PCK2):c.424C>T (p.Arg142Ter)

Genes: NRL (neural retina leucine zipper; minus strand), PCK2 (phosphoenolpyruvate carboxykinase 2, mitochondrial; plus strand). Cytogenetic location: 14q11.2.
Variant type: single nucleotide variant.
Coding change: c.424C>T on transcript NM_004563.4 (MANE Select); coding-DNA position 424, C replaced by T.
Protein change: p.Arg142Ter; replaces arginine 142 with a stop codon.
Molecular consequence: nonsense. On other transcripts: intron variant (3).
Genome position (GRCh38, 1-based): chr14:24,098,351, C>T. VCF-style: chr14-24098351-C-T. GRCh37 (hg19) VCF-style: chr14-24567560-C-T.
Other names: c.424C>T, p.Arg142Ter (NM_001018073.3); c.22C>T, p.Arg8Ter (NM_001291556.2, NM_001308054.2); c.-27-15476G>A (NM_001354768.3, NM_001354770.2); c.-253-13606G>A (NM_006177.5); short protein forms R8*, R142*.
Identifiers: ClinVar variation 1432827 (VCV001432827.7), dbSNP rs746104381, ClinGen allele CA7123120.
Genomic context (GRCh38, chr14:24,098,351, plus strand): 5'-CTCCCGCCTGGTGGGGCCCGTGGGCAGCTGGGCAACTGGATGTCCCCAGCTGATTTCCAG[C>T]GAGCTGTGGATGAGAGGTTTCCAGGCTGCATGCAGGGTAACCAGGGCAGGGGCACAGTGG-3'

ClinVar aggregate classification (germline): Uncertain significance. Review status: criteria provided, multiple submitters, no conflicts (2 of 4 stars). 2 submissions from 2 submitters: Uncertain significance (2). Last evaluated 2022-10-04.

Conditions:
Phosphoenolpyruvate carboxykinase deficiency, mitochondrial. Also called: PEPCK2 DEFICIENCY; PCK2 DEFICIENCY. Identifiers: Orphanet 2880, MedGen C1849821, MONDO:0009864, OMIM 261650.

Allele frequency attached by ClinVar (database versions not stated): ExAC 0.00003; gnomAD 0.00003 and 0.00004; gnomAD exomes 0.00004; TOPMed 0.00004.
gnomAD v4.1: 52 of 1,613,260 alleles (0.0032%); highest among the groups gnomAD compares: South Asian, 0.0099%; no homozygotes.

Submissions (2):

Labcorp Genetics (formerly Invitae), Labcorp
Classification: Uncertain significance. Last evaluated: 2022-10-04. Review status: criteria provided, single submitter. Criteria: Invitae Variant Classification Sherloc (09022015). Collection method: clinical testing. Allele origin: germline.
Comment: In summary, the available evidence is currently insufficient to determine the role of this variant in disease. Therefore, it has been classified as a Variant of Uncertain Significance. Algorithms developed to predict the effect of sequence changes on RNA splicing suggest that this variant may disrupt the consensus splice site. ClinVar contains an entry for this variant (Variation ID: 1432827). This variant has not been reported in the literature in individuals affected with PCK2-related conditions. This variant is present in population databases (rs746104381, gnomAD 0.02%). This sequence change creates a premature translational stop signal (p.Arg142*) in the PCK2 gene. It is expected to result in an absent or disrupted protein product. However, the current clinical and genetic evidence is not sufficient to establish whether loss-of-function variants in PCK2 cause disease.

Fulgent Genetics
Classification: Uncertain significance for Phosphoenolpyruvate carboxykinase deficiency, mitochondrial. Last evaluated: 2022-01-14. Review status: criteria provided, single submitter. Criteria: ACMG Guidelines, 2015. Collection method: clinical testing. Allele origin: unknown.